The following is an entry in ClinVar:

ClinVar aggregate classification (germline): Likely pathogenic (1 of 4 stars; one submission).

Conditions:
Dilated cardiomyopathy 1G (CMD1G). Identifiers: Orphanet 154, MedGen C1858763, MONDO:0011400, OMIM 604145.
Autosomal recessive limb-girdle muscular dystrophy type 2J (LGMDR10). Also called: MUSCULAR DYSTROPHY, LIMB-GIRDLE, AUTOSOMAL RECESSIVE 10; Limb-girdle muscular dystrophy, type 2J. Identifiers: Orphanet 140922, MedGen C1837342, MONDO:0012127, OMIM 608807.

Submission:

Labcorp Genetics (formerly Invitae), Labcorp
Classification: Likely pathogenic for Dilated cardiomyopathy 1G; Autosomal recessive limb-girdle muscular dystrophy type 2J. Last evaluated: 2022-07-05. Review status: criteria provided, single submitter. Criteria: Invitae Variant Classification Sherloc (09022015). Collection method: clinical testing. Allele origin: germline.
Comment: In summary, the currently available evidence indicates that the variant is pathogenic, but additional data are needed to prove that conclusively. Therefore, this variant has been classified as Likely Pathogenic. This variant is located in the A band of TTN (PMID: 25589632). Truncating variants in this region are significantly overrepresented in patients affected with dilated cardiomyopathy (PMID: 25589632). Truncating variants in this region have also been reported in individuals affected with autosomal recessive centronuclear myopathy (PMID: 23975875). ClinVar contains an entry for this variant (Variation ID: 1474837). This variant has not been reported in the literature in individuals affected with TTN-related conditions. This variant is not present in population databases (gnomAD no frequency). This sequence change creates a premature translational stop signal (p.Lys23449Argfs*12) in the TTN gene. While this is not anticipated to result in nonsense mediated decay, it is expected to create a truncated TTN protein.

Literature cited by the submitters: PubMed 25589632; PubMed 23975875.

NM_001267550.2(TTN):c.70346del (p.Lys23449fs)

Genes: TTN-AS1 (TTN antisense RNA 1; plus strand), TTN (titin; minus strand), LOC126806422 (BRD4-independent group 4 enhancer GRCh37_chr2:179440205-179441404; plus strand). Cytogenetic location: 2q31.2.
Variant type: Deletion.
Coding change: c.70346del on transcript NM_001267550.2 (MANE Select); coding-DNA position 70346, one base deleted (A; older notation c.70346delA).
Protein change: p.Lys23449fs; shifts the reading frame from lysine 23449.
Molecular consequence: frameshift variant.
Genome position (GRCh38, 1-based): chr2:178,575,786, T deleted on the plus strand (A on the coding strand, the reverse complement: TTN is on the minus strand); the first of 3 consecutive T bases (chr2:178,575,786-178,575,788); deleting any one gives the same sequence. VCF-style (leftmost placement, unchanged base first): chr2-178575785-CT-C. GRCh37 (hg19) VCF-style: chr2-179440512-CT-C.
Other names: c.65423del, p.Lys21808fs (NM_001256850.1); c.43151del, p.Lys14384fs (NM_003319.4); c.62642del, p.Lys20881fs (NM_133378.4); c.43526del, p.Lys14509fs (NM_133432.3); c.43727del, p.Lys14576fs (NM_133437.4); short protein forms K14384fs, K14576fs, K20881fs, K21808fs, K14509fs, K23449fs.
Identifiers: ClinVar variation 1474837 (VCV001474837.8), dbSNP rs2154172536, ClinGen allele CA2573134323.
Genomic context (GRCh38, chr2:178,575,785, plus strand): 5'-GTTTGTTATACGTGAGCCTCCATCTATCAGAGGGAGGTCCCAGTGCAGGGTGACACTGTC[CT>C]TTGTGATGTCTGTAGGCCGCAGGTTGAGGACTGGGCCTGGCGTGTCCAAGACTCTGACGT-3'